The following is an entry in ClinVar:

NM_004525.3(LRP2):c.8514C>T (p.Arg2838=)

Gene: LRP2 (LDL receptor related protein 2; minus strand). Cytogenetic location: 2q31.1.
Variant type: single nucleotide variant.
Coding change: c.8514C>T on transcript NM_004525.3 (MANE Select); coding-DNA position 8514, C replaced by T.
Protein change: p.Arg2838=; no amino-acid change (arginine 2838 retained).
Molecular consequence: synonymous variant.
Genome position (GRCh38, 1-based): chr2:169,198,850, G>A on the plus strand (C>T on the coding strand, the complement: LRP2 is on the minus strand). VCF-style: chr2-169198850-G-A. GRCh37 (hg19) VCF-style: chr2-170055360-G-A.
Other names: c.8514C>T (NM_004525.2).
Identifiers: ClinVar variation 1635204 (VCV001635204.11), dbSNP rs145154135, ClinGen allele CA1953833.

ClinVar aggregate classification (germline): Benign/Likely benign. Review status: criteria provided, multiple submitters, no conflicts (2 of 4 stars). 3 submissions from 3 submitters: Benign (1); Likely benign (1). 1 of the submissions does not count toward it. Last evaluated 2026-01-17.

Conditions:
LRP2-related disorder. Also called: LRP2-related condition.

Allele frequency attached by ClinVar (database versions not stated): gnomAD exomes 0.00006 and 0.00008; ExAC 0.00007; TOPMed 0.00013; ESP Exome Variant Server 0.00015; gnomAD 0.00016 and 0.00017; 1000 Genomes Project 0.00060; 1000 Genomes Project 30x 0.00062.
gnomAD v4.1: 139 of 1,613,768 alleles (0.0086%); highest among the groups gnomAD compares: African/African-American, 0.043%; 1 homozygote.

Submissions (3):

Labcorp Genetics (formerly Invitae), Labcorp
Classification: Benign. Last evaluated: 2026-01-17. Review status: criteria provided, single submitter. Criteria: Invitae Variant Classification Sherloc (09022015). Collection method: clinical testing. Allele origin: germline.

Blueprint Genetics
Classification: Likely benign. Last evaluated: 2024-07-26. Review status: criteria provided, single submitter. Criteria: ACMG Guidelines, 2015. Collection method: clinical testing. Allele origin: germline.

PreventionGenetics, part of Exact Sciences
Classification: Likely benign for LRP2-related condition. Last evaluated: 2024-08-30. Review status: no assertion criteria provided. Collection method: clinical testing. Allele origin: germline. Not counted in ClinVar's aggregate classification.
Comment: This variant is classified as likely benign based on ACMG/AMP sequence variant interpretation guidelines (Richards et al. 2015 PMID: 25741868, with internal and published modifications).